The following is an entry in ClinVar:

ClinVar aggregate classification (germline): Uncertain significance. Review status: criteria provided, multiple submitters, no conflicts (2 of 4 stars). 2 submissions from 2 submitters: Uncertain significance (2). Last evaluated 2021-11-30.

Conditions:
Aortic valve disease 2 (AOVD2). Identifiers: MedGen C3542024, MONDO:0013902, OMIM 614823.
Inborn genetic diseases. Identifiers: MedGen C0950123, MeSH D030342.

Allele frequency attached by ClinVar (database versions not stated): gnomAD exomes below 0.00001; TOPMed below 0.00001.
gnomAD v4.1: 2 of 1,221,586 alleles (0.00016%); highest among the groups gnomAD compares: Non-Finnish European, 0.0002%; no homozygotes.

Submissions (2):

Labcorp Genetics (formerly Invitae), Labcorp
Classification: Uncertain significance for Aortic valve disease 2. Last evaluated: 2021-11-30. Review status: criteria provided, single submitter. Criteria: Invitae Variant Classification Sherloc (09022015). Collection method: clinical testing. Allele origin: germline.
Comment: This sequence change replaces proline, which is neutral and non-polar, with leucine, which is neutral and non-polar, at codon 89 of the SMAD6 protein (p.Pro89Leu). Algorithms developed to predict the effect of missense changes on protein structure and function output the following: SIFT: "Tolerated"; PolyPhen-2: "Benign"; Align-GVGD: "Class C0". The leucine amino acid residue is found in multiple mammalian species, which suggests that this missense change does not adversely affect protein function. This variant has not been reported in the literature in individuals affected with SMAD6-related conditions. This variant is not present in population databases (gnomAD no frequency). In summary, the available evidence is currently insufficient to determine the role of this variant in disease. Therefore, it has been classified as a Variant of Uncertain Significance.

Ambry Genetics
Classification: Uncertain significance for Inborn genetic diseases. Last evaluated: 2021-10-21. Review status: criteria provided, single submitter. Criteria: Ambry Variant Classification Scheme 2023. Collection method: clinical testing. Allele origin: germline.
Comment: The p.P89L variant (also known as c.266C>T), located in coding exon 1 of the SMAD6 gene, results from a C to T substitution at nucleotide position 266. The proline at codon 89 is replaced by leucine, an amino acid with similar properties. This amino acid position is conserved. In addition, this alteration is predicted to be tolerated by in silico analysis. Since supporting evidence is limited at this time, the clinical significance of this alteration remains unclear.

NM_005585.5(SMAD6):c.266C>T (p.Pro89Leu)

Gene: SMAD6 (SMAD family member 6; plus strand). Cytogenetic location: 15q22.31.
Variant type: single nucleotide variant.
Coding change: c.266C>T on transcript NM_005585.5 (MANE Select); coding-DNA position 266, C replaced by T.
Protein change: p.Pro89Leu; replaces proline 89 with leucine.
Molecular consequence: missense variant. On other transcripts: non-coding transcript variant (1).
Genome position (GRCh38, 1-based): chr15:66,703,524, C>T. VCF-style: chr15-66703524-C-T. GRCh37 (hg19) VCF-style: chr15-66995862-C-T.
Other names: short protein forms P89L.
Identifiers: ClinVar variation 1429441 (VCV001429441.8), dbSNP rs1284707011, ClinGen allele CA392949107.